The following is an entry in ClinVar:

ClinVar aggregate classification (germline): Likely pathogenic (1 of 4 stars; one submission).

Conditions:
Autosomal recessive limb-girdle muscular dystrophy type R18 (LGMDR18). Also called: MUSCULAR DYSTROPHY, LIMB-GIRDLE, AUTOSOMAL RECESSIVE 18; Autosomal recessive limb-girdle muscular dystrophy type 2S; Limb-girdle muscular dystrophy, type 2S. Identifiers: Orphanet 369840, MedGen C4517996, MONDO:0014144, OMIM 615356.

gnomAD v4.1: 5 of 1,486,458 alleles (0.00034%); highest among the groups gnomAD compares: Non-Finnish European, 0.00045%; no homozygotes.

Submission:

Labcorp Genetics (formerly Invitae), Labcorp
Classification: Likely pathogenic for Autosomal recessive limb-girdle muscular dystrophy type R18. Last evaluated: 2025-04-13. Review status: criteria provided, single submitter. Criteria: Invitae Variant Classification Sherloc (09022015). Collection method: clinical testing. Allele origin: germline.
Comment: This sequence change affects an acceptor splice site in intron 6 of the TRAPPC11 gene. RNA analysis indicates that disruption of this splice site induces altered splicing and may result in an absent or altered protein product. This variant is not present in population databases (gnomAD no frequency). Disruption of this splice site has been observed in individual(s) with clinical features of congenital muscular dystrophy (PMID: 26322222). Studies have shown that disruption of this splice site results in altered splicing, and produces a non-functional protein and/or introduces a premature termination codon (PMID: 26322222). In summary, the currently available evidence indicates that the variant is pathogenic, but additional data are needed to prove that conclusively. Therefore, this variant has been classified as Likely Pathogenic.

Literature cited by the submitters: PubMed 26322222.

NM_021942.6(TRAPPC11):c.661-2A>G

Gene: TRAPPC11 (trafficking protein particle complex subunit 11; plus strand). Cytogenetic location: 4q35.1.
Variant type: single nucleotide variant.
Coding change: c.661-2A>G on transcript NM_021942.6 (MANE Select); the canonical splice acceptor site of the intron before coding-DNA position 661, A replaced by G.
Molecular consequence: splice acceptor variant.
Genome position (GRCh38, 1-based): chr4:183,675,162, A>G. VCF-style: chr4-183675162-A-G. GRCh37 (hg19) VCF-style: chr4-184596315-A-G.
Other names: c.661-2A>G (NM_199053.3).
Identifiers: ClinVar variation 4743806 (VCV004743806.1).